The following is an entry in ClinVar:

ClinVar aggregate classification (germline): Uncertain significance. Review status: criteria provided, multiple submitters, no conflicts (2 of 4 stars). 2 submissions from 2 submitters: Uncertain significance (2). Last evaluated 2024-12-01.

Conditions:
Distal myopathy with posterior leg and anterior hand involvement. Also called: WILLIAMS DISTAL MYOPATHY. Identifiers: Orphanet 63273, MedGen C3279722, MONDO:0013550, OMIM 614065.
Hypertrophic cardiomyopathy 26. Also called: Cardiomyopathy, familial hypertrophic, 26. Identifiers: Orphanet 75249, MedGen C4310749, MONDO:0014883, OMIM 617047.
Myofibrillar myopathy 5. Also called: Filaminopathy (type); FILAMINOPATHY, AUTOSOMAL DOMINANT. Identifiers: Orphanet 171445, MedGen C1836050, MONDO:0012289, OMIM 609524.

Submissions (2):

CeGaT Center for Human Genetics Tuebingen
Classification: Uncertain significance. Last evaluated: 2024-12-01. Review status: criteria provided, single submitter. Criteria: CeGaT Center For Human Genetics Tuebingen Variant Classification Criteria Version 2. Collection method: clinical testing. Allele origin: germline. Affected: yes. Observed: 1 variant allele.
Comment: FLNC: PM2

Labcorp Genetics (formerly Invitae), Labcorp
Classification: Uncertain significance for Distal myopathy with posterior leg and anterior hand involvement; Myofibrillar myopathy 5; Hypertrophic cardiomyopathy 26. Last evaluated: 2020-09-24. Review status: criteria provided, single submitter. Criteria: Invitae Variant Classification Sherloc (09022015). Collection method: clinical testing. Allele origin: germline.
Comment: Algorithms developed to predict the effect of missense changes on protein structure and function are either unavailable or do not agree on the potential impact of this missense change (SIFT: "Deleterious"; PolyPhen-2: "Possibly Damaging"; Align-GVGD: "Class C0"). In summary, the available evidence is currently insufficient to determine the role of this variant in disease. Therefore, it has been classified as a Variant of Uncertain Significance. This variant has not been reported in the literature in individuals with FLNC-related conditions. This variant is not present in population databases (ExAC no frequency). This sequence change replaces alanine with valine at codon 32 of the FLNC protein (p.Ala32Val). The alanine residue is highly conserved and there is a small physicochemical difference between alanine and valine.

NM_001458.5(FLNC):c.95C>T (p.Ala32Val)

Gene: FLNC (filamin C; plus strand). Cytogenetic location: 7q32.1.
Variant type: single nucleotide variant.
Coding change: c.95C>T on transcript NM_001458.5 (MANE Select); coding-DNA position 95, C replaced by T.
Protein change: p.Ala32Val; replaces alanine 32 with valine.
Molecular consequence: missense variant.
Genome position (GRCh38, 1-based): chr7:128,830,732, C>T. VCF-style: chr7-128830732-C-T. GRCh37 (hg19) VCF-style: chr7-128470786-C-T.
Other names: c.95C>T, p.Ala32Val (NM_001127487.2); short protein forms A32V.
Identifiers: ClinVar variation 1063042 (VCV001063042.22), dbSNP rs2128932120, ClinGen allele CA369215705.
Genomic context (GRCh38, chr7:128,830,732, plus strand): 5'-TCGGCCTGGGCGATGAGACAGACGAGATGCCGTCCACGGAGAAGGACCTGGCGGAGGACG[C>T]GCCGTGGAAGAAGATCCAGCAGAACACATTCACGCGCTGGTGCAATGAGCACCTCAAGTG-3'
Protein context (NP_001449.3, residues 22-42): PSTEKDLAED[Ala32Val]PWKKIQQNTF